The following is an entry in ClinVar:

NM_001854.4(COL11A1):c.139T>A (p.Phe47Ile)

Gene: COL11A1 (collagen type XI alpha 1 chain; minus strand). Cytogenetic location: 1p21.1.
Variant type: single nucleotide variant.
Coding change: c.139T>A on transcript NM_001854.4 (MANE Select); coding-DNA position 139, T replaced by A.
Protein change: p.Phe47Ile; replaces phenylalanine 47 with isoleucine.
Molecular consequence: missense variant. On other transcripts: non-coding transcript variant (1).
Genome position (GRCh38, 1-based): chr1:103,082,940, A>T on the plus strand (T>A on the coding strand, the complement: COL11A1 is on the minus strand). VCF-style: chr1-103082940-A-T. GRCh37 (hg19) VCF-style: chr1-103548496-A-T.
Other names: c.139T>A, p.Phe47Ile (NM_001190709.2, NM_080629.3, NM_080630.4); short protein forms F47I.
Identifiers: ClinVar variation 561274 (VCV000561274.11), dbSNP rs143159512, ClinGen allele CA975543.

ClinVar aggregate classification (germline): Likely benign. Review status: criteria provided, multiple submitters, no conflicts (2 of 4 stars). 4 submissions from 4 submitters: Likely benign (4). Last evaluated 2025-11-06.

Conditions:
Connective tissue disorder. Also called: Connective tissue disease. Identifiers: MedGen C0009782, MONDO:0003900.

Allele frequency attached by ClinVar (database versions not stated): TOPMed 0.00002; ESP Exome Variant Server 0.00015; gnomAD exomes 0.00026 and 0.00071; gnomAD 0.00028 and 0.00030; 1000 Genomes Project 30x 0.00031; 1000 Genomes Project 0.00040; ExAC 0.00087.
gnomAD v4.1: 439 of 1,613,132 alleles (0.027%); highest among the groups gnomAD compares: Non-Finnish European, 0.0045%; no homozygotes.

Submissions (4):

Labcorp Genetics (formerly Invitae), Labcorp
Classification: Likely benign. Last evaluated: 2025-11-06. Review status: criteria provided, single submitter. Criteria: Invitae Variant Classification Sherloc (09022015). Collection method: clinical testing. Allele origin: germline.

Blueprint Genetics
Classification: Likely benign. Last evaluated: 2024-10-28. Review status: criteria provided, single submitter. Criteria: ACMG Guidelines, 2015. Collection method: clinical testing. Allele origin: germline.

GeneDx
Classification: Likely benign. Last evaluated: 2019-02-05. Review status: criteria provided, single submitter. Criteria: GeneDx Variant Classification Process June 2021. Collection method: clinical testing. Allele origin: germline. Affected: yes.
Comment: See Variant Classification Assertion Criteria.

Center for Human Genetics, Inc
Classification: Likely benign for Connective tissue disorder. Last evaluated: 2018-06-01. Review status: criteria provided, single submitter. Criteria: ACMG Guidelines, 2015. Collection method: clinical testing. Allele origin: germline. Affected: yes.